The following is an entry in ClinVar:

NM_080425.4(GNAS):c.1534C>T (p.Arg512Trp)

Gene: GNAS (GNAS complex locus; plus strand). Cytogenetic location: 20q13.32.
Variant type: single nucleotide variant.
Coding change: c.1534C>T on transcript NM_080425.4 (MANE Plus Clinical); coding-DNA position 1534, C replaced by T.
Protein change: p.Arg512Trp; replaces arginine 512 with tryptophan.
Molecular consequence: missense variant. On other transcripts: synonymous variant (2), intron variant (3).
Genome position (GRCh38, 1-based): chr20:58,854,799, C>T. VCF-style: chr20-58854799-C-T. GRCh37 (hg19) VCF-style: chr20-57429854-C-T.
Other names: c.1347C>T, p.Ala449= (NM_001077490.3, NM_001309883.1); c.1534C>T, p.Arg512Trp (NM_001410913.1); c.*42+13913C>T (NM_016592.5); c.43+13913C>T (NM_001410912.1); c.-39+12924C>T (NM_001309861.2); short protein forms R512W.
Identifiers: ClinVar variation 3045531 (VCV003045531.3), dbSNP rs766854994, ClinGen allele CA9926708.
Genomic context (GRCh38, chr20:58,854,799, plus strand): 5'-CCAGACGCAGGGGCTCCCACTGCCCCAGCCGCTTCTGCCACCCGGGCAGCCCAAGTCCGC[C>T]GGGCGGCCTCTGCAGCCCCTGCCTCCGGGGCCAGACGCAAGATCCATCTCAGACCCCCCA-3'
Protein context (NP_536350.2, residues 502-522): ASATRAAQVR[Arg512Trp]AASAAPASGA

ClinVar aggregate classification (germline): Uncertain significance. Review status: criteria provided, single submitter (1 of 4 stars). 2 submissions from 2 submitters: Uncertain significance (1). 1 of the submissions does not count toward it. Last evaluated 2024-06-29.

Conditions:
Pseudopseudohypoparathyroidism (PPHP). Also called: ALBRIGHT HEREDITARY OSTEODYSTROPHY WITHOUT MULTIPLE HORMONE RESISTANCE; Pseudopseudohypoparathyroidism (PPHP). Identifiers: Orphanet 79445, MedGen C0033835, MONDO:0012912, OMIM 612463.
GNAS-related disorder. Identifiers: MedGen CN380105.

Allele frequency attached by ClinVar (database versions not stated): ExAC 0.00016; TOPMed 0.00004; gnomAD 0.00003; gnomAD exomes 0.00004.
gnomAD v4.1: 68 of 1,580,976 alleles (0.0043%); highest among the groups gnomAD compares: Non-Finnish European, 0.0042%; no homozygotes.

Submissions (2):

Clinical Genomics Laboratory, Washington University in St. Louis
Classification: Uncertain significance for Pseudopseudohypoparathyroidism. Last evaluated: 2024-06-29. Review status: criteria provided, single submitter. Criteria: ACMG Guidelines, 2015. Collection method: clinical testing. Allele origin: germline.
Comment: A GNAS c.1534C>T (p.Arg512Trp) variant was identified at a near heterozygous allelic fraction of 52.9%, a frequency which may be consistent with germline origin. This variant, to our knowledge, has not been reported in the medical literature. It is observed on 68/1,580,976 alleles in the general population (gnomAD v.4.1.0) and has been reported in the ClinVar database as a germline variant of uncertain clinical significance by one submitter (ClinVar ID: 3045531). Computational predictors are uncertain as to the impact of this variant on GNAS function. Due to limited information, and based on ACMG/AMP guidelines for variant interpretation (Richards S et al., PMID: 25741868), the clinical significance of this variant is uncertain at this time.

PreventionGenetics, part of Exact Sciences
Classification: Likely benign for GNAS-related condition. Last evaluated: 2023-03-03. Review status: no assertion criteria provided. Collection method: clinical testing. Allele origin: germline. Not counted in ClinVar's aggregate classification.
Comment: This variant is classified as likely benign based on ACMG/AMP sequence variant interpretation guidelines (Richards et al. 2015 PMID: 25741868, with internal and published modifications).